The following is an entry in ClinVar:

NM_016373.4(WWOX):c.1142G>T (p.Arg381Leu)

Genes: MAF (MAF bZIP transcription factor; minus strand), WWOX (WW domain containing oxidoreductase; plus strand). Cytogenetic location: 16q23.2.
Variant type: single nucleotide variant.
Coding change: c.1142G>T on transcript NM_016373.4 (MANE Select); coding-DNA position 1142, G replaced by T.
Protein change: p.Arg381Leu; replaces arginine 381 with leucine.
Molecular consequence: missense variant.
Genome position (GRCh38, 1-based): chr16:79,211,693, G>T. VCF-style: chr16-79211693-G-T. GRCh37 (hg19) VCF-style: chr16-79245590-G-T.
Other names: c.803G>T, p.Arg268Leu (NM_001291997.2); short protein forms R381L, R268L.
Identifiers: ClinVar variation 540235 (VCV000540235.9), dbSNP rs202002431, ClinGen allele CA396537135.

ClinVar aggregate classification (germline): Uncertain significance (1 of 4 stars; one submission).

Conditions:
Developmental and epileptic encephalopathy, 1 (DEE1). Also called: INFANTILE SPASM SYNDROME, X-LINKED 1; Epileptic encephalopathy, early infantile, 1; X-linked infantile spasms; West's syndrome; Tonic spasms with clustering, arrest of psychomotor development and hypsarrhythmia on EEG; X-Linked Infantile Spasm Syndrome. Identifiers: MedGen C3463992, MONDO:0010632, OMIM 308350. Disease mechanism: loss of function.
Autosomal recessive spinocerebellar ataxia 12. Also called: SPINOCEREBELLAR ATAXIA WITH MENTAL RETARDATION AND EPILEPSY. Identifiers: Orphanet 284282, MedGen C3280452, MONDO:0013687, OMIM 614322.

gnomAD v4.1: 2 of 1,614,208 alleles (0.00012%); highest among the groups gnomAD compares: Admixed American, 0.0033%; no homozygotes.

Submission:

Labcorp Genetics (formerly Invitae), Labcorp
Classification: Uncertain significance for Developmental and epileptic encephalopathy, 1; Autosomal recessive spinocerebellar ataxia 12. Last evaluated: 2022-07-26. Review status: criteria provided, single submitter. Criteria: Invitae Variant Classification Sherloc (09022015). Collection method: clinical testing. Allele origin: germline.
Comment: This sequence change replaces arginine, which is basic and polar, with leucine, which is neutral and non-polar, at codon 381 of the WWOX protein (p.Arg381Leu). This variant is present in population databases (no rsID available, gnomAD 0.003%). This variant has not been reported in the literature in individuals affected with WWOX-related conditions. ClinVar contains an entry for this variant (Variation ID: 540235). Algorithms developed to predict the effect of missense changes on protein structure and function are either unavailable or do not agree on the potential impact of this missense change (SIFT: "Not Available"; PolyPhen-2: "Benign"; Align-GVGD: "Not Available"). In summary, the available evidence is currently insufficient to determine the role of this variant in disease. Therefore, it has been classified as a Variant of Uncertain Significance.